The following is an entry in ClinVar:

NM_000548.5(TSC2):c.5278T>C (p.Tyr1760His)

Gene: TSC2 (TSC complex subunit 2; plus strand). Cytogenetic location: 16p13.3.
Variant type: single nucleotide variant.
Coding change: c.5278T>C on transcript NM_000548.5 (MANE Select); coding-DNA position 5278, T replaced by C.
Protein change: p.Tyr1760His; replaces tyrosine 1760 with histidine.
Molecular consequence: missense variant.
Genome position (GRCh38, 1-based): chr16:2,088,464, T>C. VCF-style: chr16-2088464-T-C. GRCh37 (hg19) VCF-style: chr16-2138465-T-C.
Other names: c.5077T>C, p.Tyr1693His (NM_001077183.3); c.5209T>C, p.Tyr1737His (NM_001114382.3); c.4969T>C, p.Tyr1657His (NM_001318827.2); c.4933T>C, p.Tyr1645His (NM_001318829.2); c.4546T>C, p.Tyr1516His (NM_001318831.2); c.5110T>C, p.Tyr1704His (NM_001318832.2); c.5080T>C, p.Tyr1694His (NM_001363528.2); c.5146T>C, p.Tyr1716His (NM_001370404.1); and 2 more; short protein forms Y1645H, Y1694H, Y1716H, Y1657H, Y1693H, Y1704H, Y1717H, Y1760H.
Identifiers: ClinVar variation 1470851 (VCV001470851.10), dbSNP rs2151638289, ClinGen allele CA394315169.
Genomic context (GRCh38, chr16:2,088,464, plus strand): 5'-CACGCCTCCCAGACTTACTGCCCAAGCCGCCTCTGCCTTCAGATCTGCGAGGAAGCCGCC[T>C]ACTCCAACCCCAGCCTACCTCTGGTGCACCCTCCGTCCCATAGCAAAGCCCCTGCACAGA-3'
Protein context (NP_000539.2, residues 1750-1770): LRQRICEEAA[Tyr1760His]SNPSLPLVHP

ClinVar aggregate classification (germline): Uncertain significance. Review status: criteria provided, multiple submitters, no conflicts (2 of 4 stars). 2 submissions from 2 submitters: Uncertain significance (2). Last evaluated 2025-11-09.

Conditions:
Hereditary cancer-predisposing syndrome. Also called: Neoplastic Syndromes, Hereditary; Hereditary Cancer Syndrome; Tumor predisposition; Hereditary neoplastic syndrome. Identifiers: Orphanet 140162, MedGen C0027672, MeSH D009386, MONDO:0015356.
Tuberous sclerosis 2 (TSC2). Identifiers: Orphanet 805, MedGen C1860707, MONDO:0013199, OMIM 613254.

gnomAD v4.1: 4 of 1,612,828 alleles (0.00025%); highest among the groups gnomAD compares: Non-Finnish European, 0.00034%; no homozygotes.

Submissions (2):

Labcorp Genetics (formerly Invitae), Labcorp
Classification: Uncertain significance for Tuberous sclerosis 2. Last evaluated: 2025-11-09. Review status: criteria provided, single submitter. Criteria: Invitae Variant Classification Sherloc (09022015). Collection method: clinical testing. Allele origin: germline.
Comment: This sequence change replaces tyrosine, which is neutral and polar, with histidine, which is basic and polar, at codon 1760 of the TSC2 protein (p.Tyr1760His). This variant is not present in population databases (gnomAD no frequency). This variant has not been reported in the literature in individuals affected with TSC2-related conditions. ClinVar contains an entry for this variant (Variation ID: 1470851). Invitae Evidence Modeling of protein sequence and biophysical properties (such as structural, functional, and spatial information, amino acid conservation, physicochemical variation, residue mobility, and thermodynamic stability) indicates that this missense variant is not expected to disrupt TSC2 protein function with a negative predictive value of 95%. In summary, the available evidence is currently insufficient to determine the role of this variant in disease. Therefore, it has been classified as a Variant of Uncertain Significance.

Ambry Genetics
Classification: Uncertain significance for Hereditary cancer-predisposing syndrome. Last evaluated: 2025-07-16. Review status: criteria provided, single submitter. Criteria: Ambry Variant Classification Scheme 2023. Collection method: clinical testing. Allele origin: germline.
Comment: The p.Y1760H variant (also known as c.5278T>C), located in coding exon 41 of the TSC2 gene, results from a T to C substitution at nucleotide position 5278. The tyrosine at codon 1760 is replaced by histidine, an amino acid with similar properties. This amino acid position is not well conserved in available vertebrate species. In addition, the in silico prediction for this alteration is inconclusive. Since supporting evidence is limited at this time, the clinical significance of this alteration remains unclear.